The following is an entry in ClinVar:

NM_004706.4(ARHGEF1):c.2551C>G (p.Arg851Gly)

Gene: ARHGEF1 (Rho guanine nucleotide exchange factor 1; plus strand). Cytogenetic location: 19q13.2.
Variant type: single nucleotide variant.
Coding change: c.2551C>G on transcript NM_004706.4 (MANE Select); coding-DNA position 2551, C replaced by G.
Protein change: p.Arg851Gly; replaces arginine 851 with glycine.
Molecular consequence: missense variant. On other transcripts: non-coding transcript variant (2), intron variant (4).
Genome position (GRCh38, 1-based): chr19:41,906,516, C>G. VCF-style: chr19-41906516-C-G. GRCh37 (hg19) VCF-style: chr19-42410668-C-G.
Other names: c.2719C>G, p.Arg907Gly (NM_001396000.1); c.2452C>G, p.Arg818Gly (NM_198977.2); c.2596C>G, p.Arg866Gly (NM_199002.2); c.2492-187C>G (NM_001396003.1, NM_001396006.1); c.2393-187C>G (NM_001396002.1, NM_001396004.1); short protein forms R866G, R907G, R818G, R851G.
Identifiers: ClinVar variation 1956447 (VCV001956447.6), dbSNP rs1455377545, ClinGen allele CA406069641.

ClinVar aggregate classification (germline): Uncertain significance. Review status: criteria provided, multiple submitters, no conflicts (2 of 4 stars). 2 submissions from 2 submitters: Uncertain significance (2). Last evaluated 2024-07-23.

Allele frequency attached by ClinVar (database versions not stated): gnomAD 0.00002; TOPMed 0.00002.
gnomAD v4.1: 11 of 1,583,054 alleles (0.00069%); highest among the groups gnomAD compares: Middle Eastern, 0.017%; no homozygotes.

Submissions (2):

Labcorp Genetics (formerly Invitae), Labcorp
Classification: Uncertain significance. Last evaluated: 2024-07-23. Review status: criteria provided, single submitter. Criteria: Invitae Variant Classification Sherloc (09022015). Collection method: clinical testing. Allele origin: germline.
Comment: This sequence change replaces arginine, which is basic and polar, with glycine, which is neutral and non-polar, at codon 866 of the ARHGEF1 protein (p.Arg866Gly). This variant is present in population databases (no rsID available, gnomAD 0.007%). This variant has not been reported in the literature in individuals affected with ARHGEF1-related conditions. ClinVar contains an entry for this variant (Variation ID: 1956447). An algorithm developed to predict the effect of missense changes on protein structure and function (PolyPhen-2) suggests that this variant is likely to be tolerated. In summary, the available evidence is currently insufficient to determine the role of this variant in disease. Therefore, it has been classified as a Variant of Uncertain Significance.

Blueprint Genetics
Classification: Uncertain significance. Last evaluated: 2024-06-21. Review status: criteria provided, single submitter. Criteria: ACMG Guidelines, 2015. Collection method: clinical testing. Allele origin: germline.